The following is an entry in ClinVar:

ClinVar aggregate classification (germline): Uncertain significance (1 of 4 stars; one submission).

Conditions:
Cardiovascular phenotype. Identifiers: MedGen CN230736.

gnomAD v4.1: 2 of 1,082,098 alleles (0.00018%); highest among the groups gnomAD compares: Non-Finnish European, 0.00022%; no homozygotes.

Submission:

Ambry Genetics
Classification: Uncertain significance for Cardiovascular phenotype. Last evaluated: 2022-10-31. Review status: criteria provided, single submitter. Criteria: Ambry Variant Classification Scheme 2023. Collection method: clinical testing. Allele origin: germline.
Comment: The c.-3G>C variant is located in the 5' untranslated region (5&rsquo; UTR) of the KCNQ1 gene. This variant results from a G to C substitution 3 bases upstream from the first translated codon. This nucleotide position is well conserved in available vertebrate species. Since supporting evidence is limited at this time, the clinical significance of this alteration remains unclear.

NM_000218.3(KCNQ1):c.-3G>C

Gene: KCNQ1 (potassium voltage-gated channel subfamily Q member 1; plus strand). Cytogenetic location: 11p15.5.
Variant type: single nucleotide variant.
Coding change: c.-3G>C on transcript NM_000218.3 (MANE Select); 3 bases upstream of the start codon, G replaced by C.
Molecular consequence: 5 prime UTR variant.
Genome position (GRCh38, 1-based): chr11:2,445,096, G>C. VCF-style: chr11-2445096-G-C. GRCh37 (hg19) VCF-style: chr11-2466326-G-C.
Other names: c.-3G>C (NM_001406836.1, NM_001406838.1); c.-365G>C (NM_001406837.1).
Identifiers: ClinVar variation 1736911 (VCV001736911.3), dbSNP rs763924459, ClinGen allele CA674857959.